The following is an entry in ClinVar:

NM_001349206.2(LPIN1):c.1972G>A (p.Val658Ile)

Gene: LPIN1 (lipin 1; plus strand). Cytogenetic location: 2p25.1.
Variant type: single nucleotide variant.
Coding change: c.1972G>A on transcript NM_001349206.2 (MANE Select); coding-DNA position 1972, G replaced by A.
Protein change: p.Val658Ile; replaces valine 658 with isoleucine.
Molecular consequence: missense variant. On other transcripts: non-coding transcript variant (1).
Genome position (GRCh38, 1-based): chr2:11,802,992, G>A. VCF-style: chr2-11802992-G-A. GRCh37 (hg19) VCF-style: chr2-11943118-G-A.
Other names: p.Val622Ile; c.1882G>A, p.Val628Ile (NM_001261427.3); c.2119G>A, p.Val707Ile (NM_001261428.3); c.1864G>A, p.Val622Ile (NM_001349199.2, NM_145693.4); c.1942G>A, p.Val648Ile (NM_001349200.2, NM_001349201.2); c.1969G>A, p.Val657Ile (NM_001349202.2, NM_001349203.2); c.1972G>A, p.Val658Ile (NM_001349204.2, NM_001349205.2); c.2062G>A, p.Val688Ile (NM_001349207.2); and 2 more; short protein forms V658I, V622I, V628I, V688I, V648I, V657I, V671I, V707I.
Identifiers: ClinVar variation 893070 (VCV000893070.34), dbSNP rs146048019, ClinGen allele CA1533945.

ClinVar aggregate classification (germline): Conflicting classifications of pathogenicity. Review status: criteria provided, conflicting classifications (1 of 4 stars). 6 submissions from 6 submitters: Uncertain significance (5); Likely benign (1). Last evaluated 2025-10-02.

Conditions:
Inborn genetic diseases. Identifiers: MedGen C0950123, MeSH D030342.
Myoglobinuria, acute recurrent, autosomal recessive. Also called: MYOGLOBINURIA, FAMILIAL PAROXYSMAL PARALYTIC; RHABDOMYOLYSIS, ACUTE RECURRENT; Myoglobinuria, recurrent, autosomal recessive. Identifiers: Orphanet 99845, MedGen C1849386, MONDO:0009992, OMIM 268200.

Allele frequency attached by ClinVar (database versions not stated): gnomAD exomes 0.00057 and 0.00021; ExAC 0.00025; gnomAD 0.00025 and 0.00028; TOPMed 0.00029; ESP Exome Variant Server 0.00046.
gnomAD v4.1: 854 of 1,613,002 alleles (0.053%); highest among the groups gnomAD compares: Non-Finnish European, 0.069%; no homozygotes.

Submissions (6):

Labcorp Genetics (formerly Invitae), Labcorp
Classification: Uncertain significance. Last evaluated: 2025-10-02. Review status: criteria provided, single submitter. Criteria: Invitae Variant Classification Sherloc (09022015). Collection method: clinical testing. Allele origin: germline.
Comment: This sequence change replaces valine, which is neutral and non-polar, with isoleucine, which is neutral and non-polar, at codon 622 of the LPIN1 protein (p.Val622Ile). This variant is present in population databases (rs146048019, gnomAD 0.04%). This variant has not been reported in the literature in individuals affected with LPIN1-related conditions. ClinVar contains an entry for this variant (Variation ID: 893070). Invitae Evidence Modeling of protein sequence and biophysical properties (such as structural, functional, and spatial information, amino acid conservation, physicochemical variation, residue mobility, and thermodynamic stability) indicates that this missense variant is not expected to disrupt LPIN1 protein function with a negative predictive value of 80%. In summary, the available evidence is currently insufficient to determine the role of this variant in disease. Therefore, it has been classified as a Variant of Uncertain Significance.

Ambry Genetics
Classification: Uncertain significance for Inborn genetic diseases. Last evaluated: 2025-09-11. Review status: criteria provided, single submitter. Criteria: Ambry Variant Classification Scheme 2023. Collection method: clinical testing. Allele origin: germline.

Fulgent Genetics
Classification: Uncertain significance for Myoglobinuria, acute recurrent, autosomal recessive. Last evaluated: 2024-04-01. Review status: criteria provided, single submitter. Criteria: ACMG Guidelines, 2015. Collection method: clinical testing. Allele origin: germline.

Mayo Clinic Laboratories, Mayo Clinic
Classification: Uncertain significance. Last evaluated: 2023-12-19. Review status: criteria provided, single submitter. Criteria: ACMG Guidelines, 2015. Collection method: clinical testing. Allele origin: germline. Observed: 1 variant allele.
Comment: BP4

CeGaT Center for Human Genetics Tuebingen
Classification: Likely benign. Last evaluated: 2023-12-01. Review status: criteria provided, single submitter. Criteria: CeGaT Center For Human Genetics Tuebingen Variant Classification Criteria Version 2. Collection method: clinical testing. Allele origin: germline. Affected: yes. Observed: 1 variant allele.
Comment: LPIN1: BP4

Illumina Laboratory Services, Illumina
Classification: Uncertain significance for Myoglobinuria, acute recurrent, autosomal recessive. Last evaluated: 2018-01-13. Review status: criteria provided, single submitter. Criteria: ICSL Variant Classification Criteria 13 December 2019. Collection method: clinical testing. Allele origin: germline.